The following is an entry in ClinVar:

NM_194292.3(SASS6):c.213A>G (p.Lys71=)

Gene: SASS6 (SAS-6 centriolar assembly protein; minus strand). Cytogenetic location: 1p21.2.
Variant type: single nucleotide variant.
Coding change: c.213A>G on transcript NM_194292.3 (MANE Select); coding-DNA position 213, A replaced by G.
Protein change: p.Lys71=; no amino-acid change (lysine 71 retained).
Molecular consequence: synonymous variant. On other transcripts: 5 prime UTR variant (1).
Genome position (GRCh38, 1-based): chr1:100,122,478, T>C on the plus strand (A>G on the coding strand, the complement: SASS6 is on the minus strand). VCF-style: chr1-100122478-T-C. GRCh37 (hg19) VCF-style: chr1-100588034-T-C.
Other names: c.-289A>G (NM_001304829.2).
Identifiers: ClinVar variation 3053864 (VCV003053864.2), dbSNP rs577740475, ClinGen allele CA968580.
Genomic context (GRCh38, chr1:100,122,478, plus strand): 5'-AAGGAGATCTATAAATTTTTGTGGGAAAGCTAAGAAGTCTACCAGAAGACCTTGCTGGAA[T>C]TTTAAACTATACAGAAGAAAGGAAAAGAAATTTTTTAAAAATTTTAATTAACTTTGTTTT-3'
Protein context (NP_919268.1, residues 61-81): VISEEDFQSL[Lys71=]FQQGLLVDFL

ClinVar aggregate classification (germline): Likely benign (0 of 4 stars; one submission).

Conditions:
SASS6-related disorder. Also called: SASS6-related condition.

Allele frequency attached by ClinVar (database versions not stated): TOPMed below 0.00001; gnomAD 0.00001; gnomAD exomes 0.00002; ExAC 0.00003.
gnomAD v4.1: 21 of 1,436,356 alleles (0.0015%); highest among the groups gnomAD compares: African/African-American, 0.007%; no homozygotes.

Submission:

PreventionGenetics, part of Exact Sciences
Classification: Likely benign for SASS6-related condition. Last evaluated: 2019-08-16. Review status: no assertion criteria provided. Collection method: clinical testing. Allele origin: germline.
Comment: This variant is classified as likely benign based on ACMG/AMP sequence variant interpretation guidelines (Richards et al. 2015 PMID: 25741868, with internal and published modifications).